The following is an entry in ClinVar:

ClinVar aggregate classification (germline): Uncertain significance. Review status: criteria provided, multiple submitters, no conflicts (2 of 4 stars). 3 submissions from 3 submitters: Uncertain significance (3). Last evaluated 2025-08-28.

Conditions:
COL6A2-related disorder.
Bethlem myopathy 1A. Also called: MYOPATHY, BENIGN CONGENITAL, WITH CONTRACTURES; Bethlem myopathy 1; Bethlem Muscular Dystrophy. Identifiers: Orphanet 610, MedGen CN029274, MONDO:0024530, OMIM 158810.

Allele frequency attached by ClinVar (database versions not stated): gnomAD 0.00002; TOPMed below 0.00001; ExAC 0.00001; gnomAD exomes 0.00001.

Submissions (3):

Mayo Clinic Laboratories, Mayo Clinic
Classification: Uncertain significance. Last evaluated: 2025-08-28. Review status: criteria provided, single submitter. Criteria: ACMG Guidelines, 2015. Collection method: clinical testing. Allele origin: germline. Observed: 1 variant allele.

PreventionGenetics, part of Exact Sciences
Classification: Uncertain significance for COL6A2-related condition. Last evaluated: 2025-07-18. Review status: criteria provided, single submitter. Criteria: ACMG Guidelines, 2015. Collection method: clinical testing. Allele origin: germline.
Comment: The COL6A2 c.1817-2dupA variant is predicted to result in an intronic duplication. To our knowledge, this variant has not been reported in the literature. This variant is reported in 0.0018% of alleles in individuals of European (Non-Finnish) descent in gnomAD. At this time, the clinical significance of this variant is uncertain due to the absence of conclusive functional and genetic evidence.

Labcorp Genetics (formerly Invitae), Labcorp
Classification: Uncertain significance for Bethlem myopathy 1A. Last evaluated: 2025-06-08. Review status: criteria provided, single submitter. Criteria: Invitae Variant Classification Sherloc (09022015). Collection method: clinical testing. Allele origin: germline.
Comment: This sequence change falls in intron 24 of the COL6A2 gene. It does not directly change the encoded amino acid sequence of the COL6A2 protein. It affects a nucleotide within the consensus splice site. This variant is present in population databases (rs774487338, gnomAD 0.002%). This variant has not been reported in the literature in individuals affected with COL6A2-related conditions. ClinVar contains an entry for this variant (Variation ID: 2724081). Variants that disrupt the consensus splice site are a relatively common cause of aberrant splicing (PMID: 17576681, 9536098). Algorithms developed to predict the effect of sequence changes on RNA splicing suggest that this variant may create or strengthen a splice site. In summary, the available evidence is currently insufficient to determine the role of this variant in disease. Therefore, it has been classified as a Variant of Uncertain Significance.

Literature cited by the submitters: PubMed 17576681 (cited by Labcorp Genetics (formerly Invitae), Labcorp); PubMed 9536098 (cited by Labcorp Genetics (formerly Invitae), Labcorp).

NM_001849.4(COL6A2):c.1817-2dup

Gene: COL6A2 (collagen type VI alpha 2 chain; plus strand). Cytogenetic location: 21q22.3.
Variant type: Duplication.
Coding change: c.1817-2dup on transcript NM_001849.4 (MANE Select); the canonical splice acceptor site of the intron before coding-DNA position 1817, one base duplicated (A; older notation c.1817-2dupA).
Molecular consequence: splice acceptor variant.
Genome position (GRCh38, 1-based): chr21:46,125,463, A duplicated. VCF-style (leftmost placement, unchanged base first): chr21-46125462-C-CA. GRCh37 (hg19) VCF-style: chr21-47545376-C-CA.
Other names: p.?; c.1817-2dup (NM_058175.3, NM_058174.3); c.1817-2dupA (NM_001849.3).
Identifiers: ClinVar variation 2724081 (VCV002724081.5), dbSNP rs774487338, ClinGen allele CA10072300.